The following is an entry in ClinVar:

ClinVar aggregate classification (germline): Conflicting classifications of pathogenicity. Review status: criteria provided, conflicting classifications (1 of 4 stars). 8 submissions from 8 submitters: Pathogenic (1); Likely pathogenic (5); Uncertain significance (1). 1 of the submissions does not count toward it. Last evaluated 2025-10-29.

Conditions:
Deficiency of butyryl-CoA dehydrogenase (ACADSD). Also called: SCAD DEFICIENCY, MILD; ACYL-CoA DEHYDROGENASE, SHORT-CHAIN, DEFICIENCY OF; ACADS DEFICIENCY; SCADH DEFICIENCY; SCAD Deficiency; Short-Chain Acyl-CoA Dehydrogenase Deficiency. Identifiers: Orphanet 26792, MedGen C0342783, MONDO:0008722, OMIM 201470. Disease mechanism: May be benign.

Allele frequency attached by ClinVar (database versions not stated): gnomAD exomes 0.00002; ExAC 0.00003; gnomAD 0.00003 and 0.00004; TOPMed 0.00007; ESP Exome Variant Server 0.00008.
gnomAD v4.1: 88 of 1,610,504 alleles (0.0055%); highest among the groups gnomAD compares: Non-Finnish European, 0.0069%; no homozygotes.

Submissions (8):

Labcorp Genetics (formerly Invitae), Labcorp
Classification: Pathogenic for Deficiency of butyryl-CoA dehydrogenase. Last evaluated: 2025-10-29. Review status: criteria provided, single submitter. Criteria: Invitae Variant Classification Sherloc (09022015). Collection method: clinical testing. Allele origin: germline.
Comment: This sequence change replaces arginine, which is basic and polar, with histidine, which is basic and polar, at codon 272 of the ACADS protein (p.Arg272His). This variant is present in population databases (rs374726386, gnomAD 0.01%). This missense change has been observed in individuals with biochemical features of SCAD deficiency (PMID: 16926354, 32710939, 32793418). ClinVar contains an entry for this variant (Variation ID: 203556). Invitae Evidence Modeling of protein sequence and biophysical properties (such as structural, functional, and spatial information, amino acid conservation, physicochemical variation, residue mobility, and thermodynamic stability) indicates that this missense variant is expected to disrupt ACADS protein function with a positive predictive value of 95%. This variant disrupts the p.Arg272 amino acid residue in ACADS. Other variant(s) that disrupt this residue have been determined to be pathogenic (PMID: 27051597; internal data). This suggests that this residue is clinically significant, and that variants that disrupt this residue are likely to be disease-causing. For these reasons, this variant has been classified as Pathogenic.

Women's Health and Genetics/Laboratory Corporation of America, LabCorp
Classification: Likely pathogenic for Deficiency of butyryl-CoA dehydrogenase. Last evaluated: 2025-06-04. Review status: criteria provided, single submitter. Criteria: LabCorp Variant Classification Summary - May 2015. Collection method: clinical testing. Allele origin: germline.
Comment: Variant summary: ACADS c.815G>A (p.Arg272His) results in a non-conservative amino acid change located in the Acyl-CoA dehydrogenase/oxidase, C-terminal domain (IPR009075) of the encoded protein sequence. Algorithms developed to predict the effect of missense changes on protein structure and function all suggest that this variant is likely to be disruptive. The variant allele was found at a frequency of 2e-05 in 247538 control chromosomes. c.815G>A has been observed in individual(s) affected with Deficiency Of Butyryl-CoA Dehydrogenase (e.g. van Maldegem_2006, Lin_2020, Maguolo_2020, Hu_2024, Hao_2024). These data indicate that the variant is likely associated with disease. A different variant affecting the same codon has been classified as likely pathogenic by our lab (c.814C>T, p.Arg272Cys), supporting the critical relevance of codon 272 to ACADS protein function. The following publications have been ascertained in the context of this evaluation (PMID: 38061323, 39449356, 32710939, 32793418, 16926354). To our knowledge, no experimental evidence demonstrating an impact on protein function has been reported. ClinVar contains an entry for this variant (Variation ID: 203556). Based on the evidence outlined above, the variant was classified as likely pathogenic.

Blueprint Genetics
Classification: Uncertain significance. Last evaluated: 2024-05-03. Review status: criteria provided, single submitter. Criteria: ACMG Guidelines, 2015. Collection method: clinical testing. Allele origin: germline.

Fulgent Genetics
Classification: Likely pathogenic for Deficiency of butyryl-CoA dehydrogenase. Last evaluated: 2024-03-02. Review status: criteria provided, single submitter. Criteria: ACMG Guidelines, 2015. Collection method: clinical testing. Allele origin: germline.

Genome-Nilou Lab
Classification: Likely pathogenic for Deficiency of butyryl-CoA dehydrogenase. Last evaluated: 2021-11-07. Review status: criteria provided, single submitter. Criteria: ACMG Guidelines, 2015. Collection method: clinical testing. Allele origin: germline. Affected: no.

GeneDx
Classification: Likely pathogenic. Last evaluated: 2017-04-11. Review status: criteria provided, single submitter. Criteria: GeneDx Variant Classification (06012015). Collection method: clinical testing. Allele origin: germline. Affected: yes.
Comment: The R272H variant waspreviously reported in a homozygous state in an individual with significant ethylmalonic aciduria andsignificantly elevated butyrylcarnitine in plasma (van Maldegem et al., 2006). This individual was alsohomozygous for the common G209S variant in the ACADS gene (van Maldegem et al., 2006). TheR272H variant is not observed at a significant frequency in large population cohorts (Lek et al., 2016;1000 Genomes Consortium et al., 2015; Exome Variant Server). The R272H variant is a conservativeamino acid substitution, which is not likely to impact secondary protein structure as these residuesshare similar properties. This substitution occurs at a position that is conserved across species. In silicoanalysis predicts this variant is probably damaging to the protein structure/function. Another missensevariant in the same residue (R272C) has been reported in the Human Gene Mutation Database inassociation with SCAD deficiency (Stenson et al., 2014), supporting the functional importance of thisregion of the protein. In summary, the R272H variant is likely pathogenic; however, the possibilitythat it is benign cannot be excluded.

Juno Genomics, Hangzhou Juno Genomics, Inc
Classification: Likely pathogenic for Deficiency of butyryl-CoA dehydrogenase. Review status: criteria provided, single submitter. Criteria: ACMG Guidelines, 2015. Collection method: clinical testing. Allele origin: germline.
Comment: Absent from controls (or at extremely low frequency if recessive) in Genome Aggregation Database.;Multiple lines of computational evidence support a deleterious effect on the gene or gene product.;Novel missense change at an amino acid residue where a different missense change determined to be pathogenic has been seen before.;For recessive disorders, detected in trans with a pathogenic variant.;Patient's phenotype or family history is highly specific for a disease with a single genetic etiology.

Counsyl
Classification: Uncertain significance for Deficiency of butyryl-CoA dehydrogenase. Last evaluated: 2017-10-03. Review status: no assertion criteria provided. Collection method: clinical testing. Allele origin: unknown. Not counted in ClinVar's aggregate classification.

Literature cited by the submitters: PubMed 16926354 (cited by 3 submitters); PubMed 32710939 (cited by Labcorp Genetics (formerly Invitae), Labcorp and Women's Health and Genetics/Laboratory Corporation of America, LabCorp); PubMed 32793418 (cited by Labcorp Genetics (formerly Invitae), Labcorp and Women's Health and Genetics/Laboratory Corporation of America, LabCorp); PubMed 27051597 (cited by Labcorp Genetics (formerly Invitae), Labcorp); PubMed 38061323 (cited by Women's Health and Genetics/Laboratory Corporation of America, LabCorp); PubMed 39449356 (cited by Women's Health and Genetics/Laboratory Corporation of America, LabCorp).

NM_000017.4(ACADS):c.815G>A (p.Arg272His)

Gene: ACADS (acyl-CoA dehydrogenase short chain; plus strand). Cytogenetic location: 12q24.31.
Variant type: single nucleotide variant.
Coding change: c.815G>A on transcript NM_000017.4 (MANE Select); coding-DNA position 815, G replaced by A.
Protein change: p.Arg272His; replaces arginine 272 with histidine.
Molecular consequence: missense variant.
Genome position (GRCh38, 1-based): chr12:120,738,552, G>A. VCF-style: chr12-120738552-G-A. GRCh37 (hg19) VCF-style: chr12-121176355-G-A.
Other names: p.R272H:CGC>CAC; c.803G>A, p.Arg268His (NM_001302554.2); short protein forms R272H, R268H.
Identifiers: ClinVar variation 203556 (VCV000203556.24), dbSNP rs374726386, ClinGen allele CA312220.